The following is an entry in ClinVar:

NM_001018115.3(FANCD2):c.4110_4111del (p.Arg1370fs)

Genes: FANCD2 (FA complementation group D2; plus strand), FANCD2OS (FANCD2 opposite strand; minus strand). Cytogenetic location: 3p25.3.
Variant type: Microsatellite.
Coding change: c.4110_4111del on transcript NM_001018115.3 (MANE Select); coding-DNA positions 4110 to 4111, 2 bases deleted (AG; older notation c.4110_4111delAG).
Protein change: p.Arg1370fs; shifts the reading frame from arginine 1370.
Molecular consequence: frameshift variant. On other transcripts: intron variant (1).
Genome position (GRCh38, 1-based): chr3:10,096,397-10,096,398, AG deleted; deleting any 2 consecutive bases within chr3:10,096,395-10,096,398 gives the same sequence; the c. name uses the placement nearest the transcript's 3' end. VCF-style (leftmost placement, unchanged base first): chr3-10096394-CAG-C. GRCh37 (hg19) VCF-style: chr3-10138078-CAG-C.
Other names: c.4110_4111del, p.Arg1370fs (NM_001319984.2, NM_033084.6); c.3999_4000del, p.Arg1333fs (NM_001374253.1); c.4071_4072del, p.Arg1357fs (NM_001374254.1); c.*43+7802_*43+7803del (NM_173472.2); short protein forms R1333fs, R1370fs, R1357fs.
Identifiers: ClinVar variation 3693177 (VCV003693177.2).

ClinVar aggregate classification (germline): Pathogenic (1 of 4 stars; one submission).

Conditions:
Fanconi anemia (FA). Also called: Fanconi's anemia. Identifiers: Orphanet 84, MedGen C0015625, MeSH D005199, MONDO:0019391.

Submission:

Labcorp Genetics (formerly Invitae), Labcorp
Classification: Pathogenic for Fanconi anemia. Last evaluated: 2024-04-24. Review status: criteria provided, single submitter. Criteria: Invitae Variant Classification Sherloc (09022015). Collection method: clinical testing. Allele origin: germline.
Comment: This sequence change creates a premature translational stop signal (p.Arg1370Serfs*11) in the FANCD2 gene. It is expected to result in an absent or disrupted protein product. Loss-of-function variants in FANCD2 are known to be pathogenic (PMID: 17436244). This variant is not present in population databases (gnomAD no frequency). This variant has not been reported in the literature in individuals affected with FANCD2-related conditions. For these reasons, this variant has been classified as Pathogenic.

Literature cited by the submitters: PubMed 17436244.